The following is an entry in ClinVar:

ClinVar aggregate classification (germline): Uncertain significance (1 of 4 stars; one submission).

Submission:

GeneDx
Classification: Uncertain significance. Last evaluated: 2020-09-09. Review status: criteria provided, single submitter. Criteria: GeneDx Variant Classification Process June 2021. Collection method: clinical testing. Allele origin: germline. Affected: yes.
Comment: Not observed in large population cohorts (Lek et al., 2016); Located in the variable tail domain of keratin 2, where no pathogenic variants have been reported thus far; In silico analysis supports that this missense variant does not alter protein structure/function; Has not been previously published as pathogenic or benign to our knowledge

NM_000423.3(KRT2):c.1912T>C (p.Phe638Leu)

Gene: KRT2 (keratin 2; minus strand). Cytogenetic location: 12q13.13.
Variant type: single nucleotide variant.
Coding change: c.1912T>C on transcript NM_000423.3 (MANE Select); coding-DNA position 1912, T replaced by C.
Protein change: p.Phe638Leu; replaces phenylalanine 638 with leucine.
Molecular consequence: missense variant.
Genome position (GRCh38, 1-based): chr12:52,645,027, A>G on the plus strand (T>C on the coding strand, the complement: KRT2 is on the minus strand). VCF-style: chr12-52645027-A-G. GRCh37 (hg19) VCF-style: chr12-53038811-A-G.
Other names: short protein forms F638L.
Identifiers: ClinVar variation 1313192 (VCV001313192.2), dbSNP rs1398961883, ClinGen allele CA384969679.